The following is an entry in ClinVar:

NM_001369268.1(ACAN):c.1562A>G (p.Tyr521Cys)

Gene: ACAN (aggrecan; plus strand). Cytogenetic location: 15q26.1.
Variant type: single nucleotide variant.
Coding change: c.1562A>G on transcript NM_001369268.1 (MANE Select); coding-DNA position 1562, A replaced by G.
Protein change: p.Tyr521Cys; replaces tyrosine 521 with cysteine.
Molecular consequence: missense variant.
Genome position (GRCh38, 1-based): chr15:88,847,375, A>G. VCF-style: chr15-88847375-A-G. GRCh37 (hg19) VCF-style: chr15-89390606-A-G.
Other names: c.1562A>G, p.Tyr521Cys (NM_001135.4, NM_001411096.1, NM_001411097.1 and 1 more transcripts); short protein forms Y521C.
Identifiers: ClinVar variation 3135004 (VCV003135004.3), dbSNP rs1179005751, ClinGen allele CA393710761.

ClinVar aggregate classification (germline): Uncertain significance. Review status: criteria provided, multiple submitters, no conflicts (2 of 4 stars). 3 submissions from 3 submitters: Uncertain significance (3). Last evaluated 2025-08-13.

Conditions:
Inborn genetic diseases. Identifiers: MedGen C0950123, MeSH D030342.

Allele frequency attached by ClinVar (database versions not stated): gnomAD exomes below 0.00001.
gnomAD v4.1: 1 of 1,592,402 alleles (0.000063%); highest among the groups gnomAD compares: Non-Finnish European, 0.000086%; no homozygotes.

Submissions (3):

Labcorp Genetics (formerly Invitae), Labcorp
Classification: Uncertain significance. Last evaluated: 2025-08-13. Review status: criteria provided, single submitter. Criteria: Invitae Variant Classification Sherloc (09022015). Collection method: clinical testing. Allele origin: germline.
Comment: This sequence change replaces tyrosine, which is neutral and polar, with cysteine, which is neutral and slightly polar, at codon 521 of the ACAN protein (p.Tyr521Cys). This variant is not present in population databases (gnomAD no frequency). This variant has not been reported in the literature in individuals affected with ACAN-related conditions. ClinVar contains an entry for this variant (Variation ID: 3135004). Invitae Evidence Modeling of protein sequence and biophysical properties (such as structural, functional, and spatial information, amino acid conservation, physicochemical variation, residue mobility, and thermodynamic stability) indicates that this missense variant is not expected to disrupt ACAN protein function with a negative predictive value of 80%. In summary, the available evidence is currently insufficient to determine the role of this variant in disease. Therefore, it has been classified as a Variant of Uncertain Significance.

Ambry Genetics
Classification: Uncertain significance for Inborn genetic diseases. Last evaluated: 2023-09-23. Review status: criteria provided, single submitter. Criteria: Ambry Variant Classification Scheme 2023. Collection method: clinical testing. Allele origin: germline.

Blueprint Genetics
Classification: Uncertain significance. Last evaluated: 2020-01-17. Review status: criteria provided, single submitter. Criteria: ACMG Guidelines, 2015. Collection method: clinical testing. Allele origin: germline.